The following is an entry in ClinVar:

ClinVar aggregate classification (germline): Uncertain significance (1 of 4 stars; one submission).

Submission:

Labcorp Genetics (formerly Invitae), Labcorp
Classification: Uncertain significance. Last evaluated: 2025-07-08. Review status: criteria provided, single submitter. Criteria: Invitae Variant Classification Sherloc (09022015). Collection method: clinical testing. Allele origin: germline.
Comment: This sequence change replaces arginine, which is basic and polar, with histidine, which is basic and polar, at codon 662 of the BACH2 protein (p.Arg662His). This variant is not present in population databases (gnomAD no frequency). This variant has not been reported in the literature in individuals affected with BACH2-related conditions. Invitae Evidence Modeling of protein sequence and biophysical properties (such as structural, functional, and spatial information, amino acid conservation, physicochemical variation, residue mobility, and thermodynamic stability) has been performed for this missense variant. However, the output from this modeling did not meet the statistical confidence thresholds required to predict the impact of this variant on BACH2 protein function. In summary, the available evidence is currently insufficient to determine the role of this variant in disease. Therefore, it has been classified as a Variant of Uncertain Significance.

NM_021813.4(BACH2):c.1985G>A (p.Arg662His)

Gene: BACH2 (BACH transcriptional regulator 2; minus strand). Cytogenetic location: 6q15.
Variant type: single nucleotide variant.
Coding change: c.1985G>A on transcript NM_021813.4 (MANE Select); coding-DNA position 1985, G replaced by A.
Protein change: p.Arg662His; replaces arginine 662 with histidine.
Molecular consequence: missense variant.
Genome position (GRCh38, 1-based): chr6:89,938,202, C>T on the plus strand (G>A on the coding strand, the complement: BACH2 is on the minus strand). VCF-style: chr6-89938202-C-T. GRCh37 (hg19) VCF-style: chr6-90647921-C-T.
Other names: c.1985G>A, p.Arg662His (NM_001170794.2); short protein forms R662H.
Identifiers: ClinVar variation 4803809 (VCV004803809.1).
Genomic context (GRCh38, chr6:89,938,202, plus strand): 5'-ACCAATTTGCGGATTTCACATTCTAAATTCTGAATACAGTCCAGTTTCCTTTTGCGGCAG[C>T]GCTGGGCCGCGATGCGGTTCTTGCTGCGCCGTCGGACATCATGAATAAACTCTAACTGTT-3'
Protein context (NP_068585.1, residues 652-672): RRSKNRIAAQ[Arg662His]CRKRKLDCIQ